The following is an entry in ClinVar:

NM_016065.4(MRPS16):c.332G>A (p.Arg111Gln)

Genes: DNAJC9-AS1 (DNAJC9 and MRPS16 antisense RNA 1; plus strand), MRPS16 (mitochondrial ribosomal protein S16; minus strand). Cytogenetic location: 10q22.2.
Variant type: single nucleotide variant.
Coding change: c.332G>A on transcript NM_016065.4 (MANE Select); coding-DNA position 332, G replaced by A.
Protein change: p.Arg111Gln; replaces arginine 111 with glutamine.
Molecular consequence: missense variant.
Genome position (GRCh38, 1-based): chr10:73,250,934, C>T on the plus strand (G>A on the coding strand, the complement: MRPS16 is on the minus strand). VCF-style: chr10-73250934-C-T. GRCh37 (hg19) VCF-style: chr10-75010692-C-T.
Other names: short protein forms R111Q.
Identifiers: ClinVar variation 214676 (VCV000214676.8), dbSNP rs141474741, ClinGen allele CA323472.

ClinVar aggregate classification (germline): Uncertain significance. Review status: criteria provided, multiple submitters, no conflicts (2 of 4 stars). 2 submissions from 2 submitters: Uncertain significance (2). Last evaluated 2025-05-06.

Allele frequency attached by ClinVar (database versions not stated): gnomAD 0.00017 and 0.00019; TOPMed 0.00020; ESP Exome Variant Server 0.00031; 1000 Genomes Project 0.00100; 1000 Genomes Project 30x 0.00109.
gnomAD v4.1: 67 of 1,614,174 alleles (0.0042%); highest among the groups gnomAD compares: African/African-American, 0.047%; no homozygotes.

Submissions (2):

Labcorp Genetics (formerly Invitae), Labcorp
Classification: Uncertain significance. Last evaluated: 2025-05-06. Review status: criteria provided, single submitter. Criteria: Invitae Variant Classification Sherloc (09022015). Collection method: clinical testing. Allele origin: germline.
Comment: This sequence change replaces arginine, which is basic and polar, with glutamine, which is neutral and polar, at codon 111 of the MRPS16 protein (p.Arg111Gln). This variant is present in population databases (rs141474741, gnomAD 0.05%). This variant has not been reported in the literature in individuals affected with MRPS16-related conditions. ClinVar contains an entry for this variant (Variation ID: 214676). An algorithm developed to predict the effect of missense changes on protein structure and function (PolyPhen-2) suggests that this variant is likely to be tolerated. Algorithms developed to predict the effect of sequence changes on RNA splicing suggest that this variant may disrupt the consensus splice site. In summary, the available evidence is currently insufficient to determine the role of this variant in disease. Therefore, it has been classified as a Variant of Uncertain Significance.

GeneDx
Classification: Uncertain significance. Last evaluated: 2017-06-20. Review status: criteria provided, single submitter. Criteria: GeneDx Variant Classification (06012015). Collection method: clinical testing. Allele origin: germline. Affected: yes.
Comment: p.Arg111Gln (CGA>CAA): c.332 G>A in exon 3 of the MRPS16 gene (NM_016065.3). The R111Q variant has not been published as a mutation, nor has it been reported as a benign polymorphism to our knowledge. The R111Q variant is a semi-conservative amino acid substitution, which may impact secondary protein structure as these residues differ in some properties. This substitution occurs at a position that is conserved across species. In silico analysis predicts this variant likely does not alter the protein structure/function. Therefore, based on the currently available information, it is unclear whether this variant is a pathogenic mutation or a rare benign variant. The variant is found in LAPDH-MITOP panel(s).